The following is an entry in ClinVar:

NM_021939.4(FKBP10):c.1029C>T (p.Ile343=)

Gene: FKBP10 (FKBP prolyl isomerase 10; plus strand). Cytogenetic location: 17q21.2.
Variant type: single nucleotide variant.
Coding change: c.1029C>T on transcript NM_021939.4 (MANE Select); coding-DNA position 1029, C replaced by T.
Protein change: p.Ile343=; no amino-acid change (isoleucine 343 retained).
Molecular consequence: synonymous variant.
Genome position (GRCh38, 1-based): chr17:41,819,641, C>T. VCF-style: chr17-41819641-C-T. GRCh37 (hg19) VCF-style: chr17-39975893-C-T.
Identifiers: ClinVar variation 500984 (VCV000500984.9), dbSNP rs782632205, ClinGen allele CA8566463.

ClinVar aggregate classification (germline): Conflicting classifications of pathogenicity. Review status: criteria provided, conflicting classifications (1 of 4 stars). 3 submissions from 3 submitters: Uncertain significance (1); Likely benign (2). Last evaluated 2026-09-01.

Allele frequency attached by ClinVar (database versions not stated): TOPMed 0.00005.

Submissions (3):

CeGaT Center for Human Genetics Tuebingen
Classification: Likely benign. Last evaluated: 2026-09-01. Review status: criteria provided, single submitter. Criteria: CeGaT Center For Human Genetics Tuebingen Variant Classification Criteria Version 2. Collection method: clinical testing. Allele origin: germline. Affected: yes. Observed: 1 variant allele.
Comment: FKBP10: BP4, BP7

Labcorp Genetics (formerly Invitae), Labcorp
Classification: Likely benign. Last evaluated: 2025-12-30. Review status: criteria provided, single submitter. Criteria: Invitae Variant Classification Sherloc (09022015). Collection method: clinical testing. Allele origin: germline.

Eurofins Ntd Llc (ga)
Classification: Uncertain significance. Last evaluated: 2017-03-31. Review status: criteria provided, single submitter. Criteria: EGL Classification Definitions 2015. Collection method: clinical testing. Allele origin: germline. Observed: 1 variant allele, 1 heterozygote.